The following is an entry in ClinVar:

ClinVar aggregate classification (germline): Likely pathogenic. Review status: reviewed by expert panel (3 of 4 stars). 5 submissions from 5 submitters: Likely pathogenic (1). 4 of the submissions do not count toward it. Last evaluated 2022-06-13.

Conditions:
Mitochondrial disease. Also called: Mitochondrial disorder; Mitochondrial disorders. Identifiers: Orphanet 68380, MedGen C0751651, MeSH D028361, MONDO:0044970.
Leber optic atrophy (LHON). Also called: Optic Atrophy, Hereditary, Leber; Leber hereditary optic neuropathy; Leber's disease; Leber's optic atrophy. Identifiers: Orphanet 104, MedGen C0917796, MONDO:0010788, OMIM 535000, HP:0001112.

Submissions (5):

ClinGen Mitochondrial Disease Nuclear and Mitochondrial  Variant Curation Expert Panel, ClinGen
Classification: Likely pathogenic for Mitochondrial disease. Last evaluated: 2022-06-13. Review status: reviewed by expert panel. Criteria: McCormick et al. (Hum Mutat. 2020). Collection method: curation. Allele origin: germline. Inheritance: Mitochondrial inheritance.
Comment: The m.10663 T>C (p.Val65Ala) variant in MT-ND4L has been reported in 8 different families in 28 individuals total with LHON phenotype and seen in haplogroup J and L (PS4_moderate; PMIDs: 29210930, 11935318, 24568867, 22879922, 17003408). There are 3 reported cases with no family history and assumed de novo occurrences of this variant (PM6; PMIDs: 22879922, 29210930, 11935318). This variant is not been seen in the population databases after removing known patients with mitochondrial disease > 0.002% (PM2_supporting). In silico tools (APOGEE) is 0.9 which predicts this variant to be pathogenic (PP3). Cybrid studies supported the functional impact of this variant (PS3_supporting; PMID: 11935318). In summary, this variant meets criteria to be classified as likely pathogenic for primary mitochondrial disease inherited in a mitochondrial manner. This classification was approved by the NICHD U24 Mitochondrial Disease Variant Curation Expert Panel on June 13 2022. Mitochondrial DNA-specific ACMG/AMP criteria applied: PS3_supporting, PS4_moderate, PM2_supporting, PM6, PP3.

Mendelics
Classification: Pathogenic for Leber optic atrophy. Last evaluated: 2022-05-04. Review status: criteria provided, single submitter. Criteria: Mendelics Assertion Criteria 2019. Collection method: clinical testing. Allele origin: germline. Not counted in ClinVar's aggregate classification.

Wong Mito Lab, Molecular and Human Genetics, Baylor College of Medicine
Classification: Pathogenic for Leber optic atrophy. Last evaluated: 2019-10-17. Review status: criteria provided, single submitter. Criteria: Modified ACMG Guidelines (Unpublished). Collection method: clinical testing. Allele origin: germline. Not counted in ClinVar's aggregate classification.
Comment: The NC_012920.1:m.10663T>C (YP_003024034.1:p.Val65Ala) variant in MTND4L gene is interpretated to be a Pathogenic variant based on the modified ACMG guidelines (unpublished). This variant meets the following evidence codes: PS1, PS4

OMIM
Classification: Pathogenic for LEBER OPTIC ATROPHY. Last evaluated: 2002-02-01. Review status: no assertion criteria provided. Collection method: literature only. Allele origin: germline. Not counted in ClinVar's aggregate classification.

GeneReviews
No classification provided. Condition: Leber optic atrophy. Review status: no classification provided. Collection method: literature only. Allele origin: maternal. Not counted in ClinVar's aggregate classification.
Comment: This mitochondrial DNA variant affects function. It hase been identified in at least two independent LHON pedigrees and segregates with affected disease status.

Literature cited by the submitters: PubMed 8680405 (cited by Wong Mito Lab, Molecular and Human Genetics, Baylor College of Medicine); PubMed 11935318 (cited by Wong Mito Lab, Molecular and Human Genetics, Baylor College of Medicine and OMIM); PubMed 30143805 (cited by GeneReviews); PubMed 20301353 (cited by GeneReviews).

NC_012920.1(MT-ND4L):m.10663T>C

Gene: MT-ND4L (mitochondrially encoded NADH dehydrogenase 4L; plus strand).
Variant type: single nucleotide variant.
Genome position: chrM-10663-T-C.
Other names: 10663T-C.
Identifiers: ClinVar variation 9707 (VCV000009707.6), dbSNP rs1556423844, ClinGen allele CA340938.
Genomic context (GRCh38, chrMT:10,663, plus strand): 5'-CTCTCATAACCCTCAACACCCACTCCCTCTTAGCCAATATTGTGCCTATTGCCATACTAG[T>C]CTTTGCCGCCTGCGAAGCAGCGGTGGGCCTAGCCCTACTAGTCTCAATCTCCAACACATA-3'